The following is an entry in ClinVar:

NM_000051.4(ATM):c.7075A>G (p.Thr2359Ala)

Genes: ATM (ATM serine/threonine kinase; plus strand), C11orf65 (chromosome 11 open reading frame 65; minus strand). Cytogenetic location: 11q22.3.
Variant type: single nucleotide variant.
Coding change: c.7075A>G on transcript NM_000051.4 (MANE Select); coding-DNA position 7075, A replaced by G.
Protein change: p.Thr2359Ala; replaces threonine 2359 with alanine.
Molecular consequence: missense variant. On other transcripts: intron variant (2).
Genome position (GRCh38, 1-based): chr11:108,327,744, A>G. VCF-style: chr11-108327744-A-G. GRCh37 (hg19) VCF-style: chr11-108198471-A-G.
Other names: c.7075A>G, p.Thr2359Ala (NM_001351834.2); c.641-18673T>C (NM_001330368.2); c.*38+7476T>C (NM_001351110.2); short protein forms T2359A.
Identifiers: ClinVar variation 1757020 (VCV001757020.2), dbSNP rs2136378938, ClinGen allele CA382559133.

ClinVar aggregate classification (germline): Uncertain significance (1 of 4 stars; one submission).

Conditions:
Hereditary cancer-predisposing syndrome. Also called: Hereditary neoplastic syndrome; Neoplastic Syndromes, Hereditary; Tumor predisposition; Hereditary Cancer Syndrome. Identifiers: Orphanet 140162, MedGen C0027672, MeSH D009386, MONDO:0015356.

Submission:

Ambry Genetics
Classification: Uncertain significance for Hereditary cancer-predisposing syndrome. Last evaluated: 2022-03-24. Review status: criteria provided, single submitter. Criteria: Ambry Variant Classification Scheme 2023. Collection method: clinical testing. Allele origin: germline.
Comment: The p.T2359A variant (also known as c.7075A>G), located in coding exon 47 of the ATM gene, results from an A to G substitution at nucleotide position 7075. The threonine at codon 2359 is replaced by alanine, an amino acid with similar properties. This amino acid position is conserved. In addition, this alteration is predicted to be tolerated by in silico analysis. Since supporting evidence is limited at this time, the clinical significance of this alteration remains unclear.